The following is an entry in ClinVar:

NM_001085411.3(NADK2):c.847A>C (p.Ser283Arg)

Gene: NADK2 (NAD kinase 2, mitochondrial; minus strand). Cytogenetic location: 5p13.2.
Variant type: single nucleotide variant.
Coding change: c.847A>C on transcript NM_001085411.3 (MANE Select); coding-DNA position 847, A replaced by C.
Protein change: p.Ser283Arg; replaces serine 283 with arginine.
Molecular consequence: missense variant.
Genome position (GRCh38, 1-based): chr5:36,211,857, T>G on the plus strand (A>C on the coding strand, the complement: NADK2 is on the minus strand). VCF-style: chr5-36211857-T-G. GRCh37 (hg19) VCF-style: chr5-36211959-T-G.
Other names: c.358A>C, p.Ser120Arg (NM_001287340.2, NM_001287341.2, NM_153013.5); short protein forms S283R, S120R.
Identifiers: ClinVar variation 4749849 (VCV004749849.1).

ClinVar aggregate classification (germline): Uncertain significance (1 of 4 stars; one submission).

Conditions:
Progressive encephalopathy with leukodystrophy due to DECR deficiency. Identifiers: Orphanet 431361, MedGen C1857252, MONDO:0014464, OMIM 616034.

Submission:

Labcorp Genetics (formerly Invitae), Labcorp
Classification: Uncertain significance for Progressive encephalopathy with leukodystrophy due to DECR deficiency. Last evaluated: 2025-05-09. Review status: criteria provided, single submitter. Criteria: Invitae Variant Classification Sherloc (09022015). Collection method: clinical testing. Allele origin: germline.
Comment: This sequence change replaces serine, which is neutral and polar, with arginine, which is basic and polar, at codon 283 of the NADK2 protein (p.Ser283Arg). This variant is not present in population databases (gnomAD no frequency). This variant has not been reported in the literature in individuals affected with NADK2-related conditions. Invitae Evidence Modeling of protein sequence and biophysical properties (such as structural, functional, and spatial information, amino acid conservation, physicochemical variation, residue mobility, and thermodynamic stability) indicates that this missense variant is expected to disrupt NADK2 protein function with a positive predictive value of 80%. In summary, the available evidence is currently insufficient to determine the role of this variant in disease. Therefore, it has been classified as a Variant of Uncertain Significance.